The following is an entry in ClinVar:

ClinVar aggregate classification (germline): Conflicting classifications of pathogenicity. Review status: criteria provided, conflicting classifications (1 of 4 stars). 2 submissions from 2 submitters: Likely pathogenic (1); Uncertain significance (1). Last evaluated 2026-09-08.

Conditions:
Fabry disease. Also called: Angiokeratoma corporis diffusum; Fabry's disease; ALPHA-GALACTOSIDASE A DEFICIENCY; ANDERSON-FABRY DISEASE; CERAMIDE TRIHEXOSIDASE DEFICIENCY; Ceramide trihexosidosis. Identifiers: Orphanet 324, MedGen C0002986, MONDO:0010526, OMIM 301500, HP:0001071. Disease mechanism: Fabry disease is due to inactivating mutations in the X-linked GLA gene resulting in deficiency of the enzyme Alpha Galactosidase-A., loss of function.

Submissions (2):

Genomenon, Inc
Classification: Likely pathogenic for Fabry disease. Last evaluated: 2026-09-08. Review status: criteria provided, single submitter. Criteria: Genomenon Sequence Variant Interpretation Standards - Updated. Collection method: curation. Allele origin: germline. Affected: no.
Comment: GLA p.Pro389Arg (c.1166C>G) is a missense variant that changes the amino acid at codon 389 from Proline to Arginine. To our knowledge, this variant has not been reported in patients affected with Fabry disease in the published literature. At least one functional study has demonstrated a substantial alteration in protein function relative to the wild-type (PMID:27657681). It is absent or not present at a significant frequency in gnomAD. In silico models predict that this variant is possibly or probably damaging. In conclusion, we classify GLA p.Pro389Arg (c.1166C>G) as a likely pathogenic variant.

Labcorp Genetics (formerly Invitae), Labcorp
Classification: Uncertain significance for Fabry disease. Last evaluated: 2023-07-27. Review status: criteria provided, single submitter. Criteria: Invitae Variant Classification Sherloc (09022015). Collection method: clinical testing. Allele origin: germline.
Comment: This sequence change replaces proline, which is neutral and non-polar, with arginine, which is basic and polar, at codon 389 of the GLA protein (p.Pro389Arg). This variant is not present in population databases (gnomAD no frequency). This variant has not been reported in the literature in individuals affected with GLA-related conditions. Advanced modeling of protein sequence and biophysical properties (such as structural, functional, and spatial information, amino acid conservation, physicochemical variation, residue mobility, and thermodynamic stability) performed at Invitae indicates that this missense variant is not expected to disrupt GLA protein function. This variant disrupts the p.Pro389 amino acid residue in GLA. Other variant(s) that disrupt this residue have been determined to be pathogenic (PMID: 26563328, 33016649). This suggests that this residue is clinically significant, and that variants that disrupt this residue are likely to be disease-causing. In summary, the available evidence is currently insufficient to determine the role of this variant in disease. Therefore, it has been classified as a Variant of Uncertain Significance.

Literature cited by the submitters: PubMed 27657681 (cited by Genomenon, Inc); PubMed 26563328 (cited by Labcorp Genetics (formerly Invitae), Labcorp); PubMed 33016649 (cited by Labcorp Genetics (formerly Invitae), Labcorp).

NM_000169.3(GLA):c.1166C>G (p.Pro389Arg)

Genes: GLA (galactosidase alpha; minus strand), RPL36A-HNRNPH2 (RPL36A-HNRNPH2 readthrough; plus strand). Cytogenetic location: Xq22.1.
Variant type: single nucleotide variant.
Coding change: c.1166C>G on transcript NM_000169.3 (MANE Select); coding-DNA position 1166, C replaced by G.
Protein change: p.Pro389Arg; replaces proline 389 with arginine.
Molecular consequence: missense variant. On other transcripts: non-coding transcript variant (3), intron variant (2).
Genome position (GRCh38, 1-based): chrX:101,397,933, G>C on the plus strand (C>G on the coding strand, the complement: GLA is on the minus strand). VCF-style: chrX-101397933-G-C. GRCh37 (hg19) VCF-style: chrX-100652921-G-C.
Other names: c.1289C>G, p.Pro430Arg (NM_001406747.1); c.300+2476G>C (NM_001199973.2); c.177+6111G>C (NM_001199974.2); short protein forms P430R, P389R.
Identifiers: ClinVar variation 2737308 (VCV002737308.5), dbSNP rs2520850221, ClinGen allele CA413919968.